The following is an entry in ClinVar:

ClinVar aggregate classification (germline): Uncertain significance. Review status: criteria provided, multiple submitters, no conflicts (2 of 4 stars). 2 submissions from 2 submitters: Uncertain significance (2). Last evaluated 2025-06-09.

Conditions:
Colorectal cancer, hereditary nonpolyposis, type 7. Identifiers: Orphanet 144, MedGen C1858380, MONDO:0013725, OMIM 614385.

Submissions (2):

Ambry Genetics
Classification: Uncertain significance. Last evaluated: 2025-06-09. Review status: criteria provided, single submitter. Criteria: Ambry Variant Classification Scheme 2023. Collection method: clinical testing. Allele origin: germline.
Comment: The p.G752R variant (also known as c.2254G>A), located in coding exon 1 of the MLH3 gene, results from a G to A substitution at nucleotide position 2254. The glycine at codon 752 is replaced by arginine, an amino acid with dissimilar properties. This amino acid position is well conserved in available vertebrate species. In addition, this alteration is predicted to be tolerated by in silico analysis. The evidence for this gene-disease relationship is limited; therefore, the clinical significance of this alteration is unclear.

Labcorp Genetics (formerly Invitae), Labcorp
Classification: Uncertain significance for Colorectal cancer, hereditary nonpolyposis, type 7. Last evaluated: 2018-01-14. Review status: criteria provided, single submitter. Criteria: Invitae Variant Classification Sherloc (09022015). Collection method: clinical testing. Allele origin: germline.
Comment: In summary, the available evidence is currently insufficient to determine the role of this variant in disease. Therefore, it has been classified as a Variant of Uncertain Significance. Algorithms developed to predict the effect of missense changes on protein structure and function do not agree on the potential impact of this missense change (SIFT: "Deleterious"; PolyPhen-2: "Probably Damaging"; Align-GVGD: "Class C0"). This variant has not been reported in the literature in individuals with MLH3-related disease. This variant is not present in population databases (ExAC no frequency). This sequence change replaces glycine with arginine at codon 752 of the MLH3 protein (p.Gly752Arg). The glycine residue is moderately conserved and there is a moderate physicochemical difference between glycine and arginine.

NM_001040108.2(MLH3):c.2254G>A (p.Gly752Arg)

Gene: MLH3 (mutL homolog 3; minus strand). Cytogenetic location: 14q24.3.
Variant type: single nucleotide variant.
Coding change: c.2254G>A on transcript NM_001040108.2 (MANE Select); coding-DNA position 2254, G replaced by A.
Protein change: p.Gly752Arg; replaces glycine 752 with arginine.
Molecular consequence: missense variant.
Genome position (GRCh38, 1-based): chr14:75,047,402, C>T on the plus strand (G>A on the coding strand, the complement: MLH3 is on the minus strand). VCF-style: chr14-75047402-C-T. GRCh37 (hg19) VCF-style: chr14-75514105-C-T.
Other names: c.2254G>A, p.Gly752Arg (NM_014381.3); short protein forms G752R.
Identifiers: ClinVar variation 574776 (VCV000574776.9), dbSNP rs906500178, ClinGen allele CA263648448.